The following is an entry in ClinVar:

ClinVar aggregate classification (germline): Uncertain significance (1 of 4 stars; one submission).

Conditions:
Hereditary pancreatitis (PCTT). Also called: PRSS1-Related Hereditary Pancreatitis; Hereditary chronic pancreatitis. Identifiers: Orphanet 676, MedGen C0238339, MONDO:0008185, OMIM 167800.

Submission:

Ambry Genetics
Classification: Uncertain significance for Hereditary pancreatitis. Last evaluated: 2021-10-14. Review status: criteria provided, single submitter. Criteria: Ambry Variant Classification Scheme 2023. Collection method: clinical testing. Allele origin: germline.
Comment: The p.P45T variant (also known as c.133C>A), located in coding exon 3 of the SPINK1 gene, results from a C to A substitution at nucleotide position 133. The proline at codon 45 is replaced by threonine, an amino acid with highly similar properties. This amino acid position is conserved. In addition, this alteration is predicted to be deleterious by in silico analysis. Since supporting evidence is limited at this time, the clinical significance of this alteration remains unclear.

NM_001379610.1(SPINK1):c.133C>A (p.Pro45Thr)

Gene: SPINK1 (serine peptidase inhibitor Kazal type 1; minus strand). Cytogenetic location: 5q32.
Variant type: single nucleotide variant.
Coding change: c.133C>A on transcript NM_001379610.1 (MANE Select); coding-DNA position 133, C replaced by A.
Protein change: p.Pro45Thr; replaces proline 45 with threonine.
Molecular consequence: missense variant.
Genome position (GRCh38, 1-based): chr5:147,828,083, G>T on the plus strand (C>A on the coding strand, the complement: SPINK1 is on the minus strand). VCF-style: chr5-147828083-G-T. GRCh37 (hg19) VCF-style: chr5-147207646-G-T.
Other names: c.133C>A, p.Pro45Thr (NM_001354966.2, NM_003122.5); short protein forms P45T.
Identifiers: ClinVar variation 1770317 (VCV001770317.2), dbSNP rs1756443349, ClinGen allele CA361885288.